The following is an entry in ClinVar:

NM_004525.3(LRP2):c.6757G>A (p.Asp2253Asn)

Gene: LRP2 (LDL receptor related protein 2; minus strand). Cytogenetic location: 2q31.1.
Variant type: single nucleotide variant.
Coding change: c.6757G>A on transcript NM_004525.3 (MANE Select); coding-DNA position 6757, G replaced by A.
Protein change: p.Asp2253Asn; replaces aspartic acid 2253 with asparagine.
Molecular consequence: missense variant.
Genome position (GRCh38, 1-based): chr2:169,206,963, C>T on the plus strand (G>A on the coding strand, the complement: LRP2 is on the minus strand). VCF-style: chr2-169206963-C-T. GRCh37 (hg19) VCF-style: chr2-170063473-C-T.
Other names: short protein forms D2253N.
Identifiers: ClinVar variation 1448921 (VCV001448921.3), dbSNP rs770545516, ClinGen allele CA1954226.

ClinVar aggregate classification (germline): Uncertain significance (1 of 4 stars; one submission).

Allele frequency attached by ClinVar (database versions not stated): ExAC 0.00002; gnomAD exomes 0.00004 and 0.00006; gnomAD 0.00009.
gnomAD v4.1: 73 of 1,614,088 alleles (0.0045%); highest among the groups gnomAD compares: Non-Finnish European, 0.0012%; no homozygotes.

Submission:

Labcorp Genetics (formerly Invitae), Labcorp
Classification: Uncertain significance. Last evaluated: 2022-09-19. Review status: criteria provided, single submitter. Criteria: Invitae Variant Classification Sherloc (09022015). Collection method: clinical testing. Allele origin: germline.
Comment: This sequence change replaces aspartic acid, which is acidic and polar, with asparagine, which is neutral and polar, at codon 2253 of the LRP2 protein (p.Asp2253Asn). This variant is present in population databases (rs770545516, gnomAD 0.06%). This variant has not been reported in the literature in individuals affected with LRP2-related conditions. ClinVar contains an entry for this variant (Variation ID: 1448921). Advanced modeling of protein sequence and biophysical properties (such as structural, functional, and spatial information, amino acid conservation, physicochemical variation, residue mobility, and thermodynamic stability) performed at Invitae indicates that this missense variant is expected to disrupt LRP2 protein function. In summary, the available evidence is currently insufficient to determine the role of this variant in disease. Therefore, it has been classified as a Variant of Uncertain Significance.